The following is an entry in ClinVar:

NM_139276.3(STAT3):c.646-18G>A

Genes: STAT3 (signal transducer and activator of transcription 3; minus strand), LOC130060888 (ATAC-STARR-seq lymphoblastoid active region 12197; plus strand). Cytogenetic location: 17q21.2.
Variant type: single nucleotide variant.
Coding change: c.646-18G>A on transcript NM_139276.3 (MANE Select); 18 bases into the intron before coding-DNA position 646, G replaced by A.
Molecular consequence: intron variant.
Genome position (GRCh38, 1-based): chr17:42,337,604, C>T on the plus strand (G>A on the coding strand, the complement: STAT3 is on the minus strand). VCF-style: chr17-42337604-C-T. GRCh37 (hg19) VCF-style: chr17-40489622-C-T.
Other names: c.550-18G>A (NM_001384989.1); c.646-18G>A (NM_001384992.1, NM_001384984.1, NM_001369519.1 and 15 more transcripts); c.568-18G>A (NM_001384985.1).
Identifiers: ClinVar variation 390379 (VCV000390379.2), dbSNP rs370123809, ClinGen allele CA16607650.
Genomic context (GRCh38, chr17:42,337,604, plus strand): 5'-ACTCCATCGCTGACAAAAGCCCCGCCAGCTCACTCACGATGCTCTGGTTGGAAACCAAAA[C>T]AAAGTCAGAAAACATTTCCTCAGACTGTCTCTAACCACATTCTTTAGTCAACTCCAGAGC-3'

ClinVar aggregate classification (germline): Likely benign. Review status: criteria provided, multiple submitters, no conflicts (2 of 4 stars). 2 submissions from 2 submitters: Likely benign (2). Last evaluated 2025-12-01.

Conditions:
Hyper-IgE recurrent infection syndrome 1, autosomal dominant. Also called: JOB SYNDROME; STAT3 Hyper IgE Syndrome; HYPER-IgE SYNDROME 1, AUTOSOMAL DOMINANT, WITH RECURRENT INFECTIONS; Job's Syndrome; Hyper-IgE recurrent infection syndrome 1. Identifiers: Orphanet 2314, MedGen C2936739, MONDO:0007818, OMIM 147060.
STAT3 gain of function. Identifiers: MedGen C4288261.

Allele frequency attached by ClinVar (database versions not stated): gnomAD 0.00001; TOPMed 0.00001; ESP Exome Variant Server 0.00008.

Submissions (2):

Labcorp Genetics (formerly Invitae), Labcorp
Classification: Likely benign for STAT3 gain of function; Hyper-IgE recurrent infection syndrome 1, autosomal dominant. Last evaluated: 2025-12-01. Review status: criteria provided, single submitter. Criteria: Invitae Variant Classification Sherloc (09022015). Collection method: clinical testing. Allele origin: germline.

GeneDx
Classification: Likely benign. Last evaluated: 2016-11-02. Review status: criteria provided, single submitter. Criteria: GeneDx Variant Classification (06012015). Collection method: clinical testing. Allele origin: germline. Affected: yes.
Comment: This variant is considered likely benign or benign based on one or more of the following criteria: it is a conservative change, it occurs at a poorly conserved position in the protein, it is predicted to be benign by multiple in silico algorithms, and/or has population frequency not consistent with disease.